The following is an entry in ClinVar:

ClinVar aggregate classification (germline): Uncertain significance (1 of 4 stars; one submission).

Conditions:
Inborn genetic diseases. Identifiers: MedGen C0950123, MeSH D030342.

Submission:

Ambry Genetics
Classification: Uncertain significance for Inborn genetic diseases. Last evaluated: 2026-01-03. Review status: criteria provided, single submitter. Criteria: Ambry Variant Classification Scheme 2023. Collection method: clinical testing. Allele origin: germline.
Comment: The p.L398F variant (also known as c.1194G>C), located in coding exon 10 of the FANCG gene, results from a G to C substitution at nucleotide position 1194. The leucine at codon 398 is replaced by phenylalanine, an amino acid with highly similar properties. This amino acid position is conserved. In addition, the in silico prediction for this alteration is inconclusive. Based on the available evidence, the clinical significance of this variant remains unclear.

NM_004629.2(FANCG):c.1194G>C (p.Leu398Phe)

Gene: FANCG (FA complementation group G; minus strand). Cytogenetic location: 9p13.3.
Variant type: single nucleotide variant.
Coding change: c.1194G>C on transcript NM_004629.2 (MANE Select); coding-DNA position 1194, G replaced by C.
Protein change: p.Leu398Phe; replaces leucine 398 with phenylalanine.
Molecular consequence: missense variant.
Genome position (GRCh38, 1-based): chr9:35,075,704, C>G on the plus strand (G>C on the coding strand, the complement: FANCG is on the minus strand). VCF-style: chr9-35075704-C-G. GRCh37 (hg19) VCF-style: chr9-35075701-C-G.
Other names: short protein forms L398F.
Identifiers: ClinVar variation 4841406 (VCV004841406.1).